The following is an entry in ClinVar:

ClinVar aggregate classification (germline): Uncertain significance (1 of 4 stars; one submission).

Submission:

Ambry Genetics
Classification: Uncertain significance. Last evaluated: 2020-12-16. Review status: criteria provided, single submitter. Criteria: Ambry Variant Classification Scheme 2023. Collection method: clinical testing. Allele origin: germline.
Comment: The p.I345M variant (also known as c.1035T>G), located in coding exon 3 of the EGLN1 gene, results from a T to G substitution at nucleotide position 1035. The isoleucine at codon 345 is replaced by methionine, an amino acid with highly similar properties. This amino acid position is highly conserved in available vertebrate species. In addition, the in silico prediction for this alteration is inconclusive. Since supporting evidence is limited at this time, the clinical significance of this alteration remains unclear.

NM_022051.3(EGLN1):c.1035T>G (p.Ile345Met)

Gene: EGLN1 (egl-9 family hypoxia inducible factor 1; minus strand). Cytogenetic location: 1q42.2.
Variant type: single nucleotide variant.
Coding change: c.1035T>G on transcript NM_022051.3 (MANE Select); coding-DNA position 1035, T replaced by G.
Protein change: p.Ile345Met; replaces isoleucine 345 with methionine.
Molecular consequence: missense variant. On other transcripts: intron variant (1).
Genome position (GRCh38, 1-based): chr1:231,370,675, A>C on the plus strand (T>G on the coding strand, the complement: EGLN1 is on the minus strand). VCF-style: chr1-231370675-A-C. GRCh37 (hg19) VCF-style: chr1-231506421-A-C.
Other names: c.1035T>G, p.Ile345Met (NM_001377260.1); c.1012-3039T>G (NM_001377261.1); short protein forms I345M.
Identifiers: ClinVar variation 1772539 (VCV001772539.2), dbSNP rs2527228516, ClinGen allele CA345240569.